The following is an entry in ClinVar:

NM_000051.4(ATM):c.8831C>T (p.Thr2944Ile)

Genes: ATM (ATM serine/threonine kinase; plus strand), C11orf65 (chromosome 11 open reading frame 65; minus strand). Cytogenetic location: 11q22.3.
Variant type: single nucleotide variant.
Coding change: c.8831C>T on transcript NM_000051.4 (MANE Select); coding-DNA position 8831, C replaced by T.
Protein change: p.Thr2944Ile; replaces threonine 2944 with isoleucine.
Molecular consequence: missense variant. On other transcripts: intron variant (2).
Genome position (GRCh38, 1-based): chr11:108,354,855, C>T. VCF-style: chr11-108354855-C-T. GRCh37 (hg19) VCF-style: chr11-108225582-C-T.
Other names: c.8831C>T, p.Thr2944Ile (NM_001351834.2); c.640+31065G>A (NM_001330368.2); c.695-19563G>A (NM_001351110.2); short protein forms T2944I.
Identifiers: ClinVar variation 524329 (VCV000524329.20), dbSNP rs1555143562, ClinGen allele CA382526003.
Genomic context (GRCh38, chr11:108,354,855, plus strand): 5'-ATGTGTTTGACTCTAGATGCTGTGAGAAAACCATGGAAGTGATGAGAAACTCTCAGGAAA[C>T]TCTGTTAACCATTGTAGAGGTAAAGTATTTTATAAGGAAGACTTTATTTTTTTTCTTACC-3'
Protein context (NP_000042.3, residues 2934-2954): TMEVMRNSQE[Thr2944Ile]LLTIVEVLLY

ClinVar aggregate classification (germline): Uncertain significance. Review status: criteria provided, multiple submitters, no conflicts (2 of 4 stars). 4 submissions from 4 submitters: Uncertain significance (3). 1 of the submissions does not count toward it. Last evaluated 2026-03-30.

Conditions:
Hereditary cancer-predisposing syndrome. Also called: Hereditary Cancer Syndrome; Neoplastic Syndromes, Hereditary; Tumor predisposition; Hereditary neoplastic syndrome. Identifiers: Orphanet 140162, MedGen C0027672, MeSH D009386, MONDO:0015356.
Ataxia-telangiectasia syndrome (AT). Also called: Cerebello-oculocutaneous telangiectasia; Immunodeficiency with ataxia telangiectasia; Ataxia-telangiectasia, complementation group E; Ataxia-telangiectasia, complementation group D; AT, COMPLEMENTATION GROUP C; ATAXIA-TELANGIECTASIA, COMPLEMENTATION GROUP A. Identifiers: Orphanet 100, MedGen C0004135, MONDO:0008840, OMIM 208900.

Submissions (4):

Ambry Genetics
Classification: Uncertain significance for Hereditary cancer-predisposing syndrome. Last evaluated: 2026-03-30. Review status: criteria provided, single submitter. Criteria: Ambry Variant Classification Scheme 2023. Collection method: clinical testing. Allele origin: germline.
Comment: The p.T2944I variant (also known as c.8831C>T), located in coding exon 60 of the ATM gene, results from a C to T substitution at nucleotide position 8831. The threonine at codon 2944 is replaced by isoleucine, an amino acid with similar properties. This amino acid position is conserved. In addition, the in silico prediction for this alteration is inconclusive. Based on the available evidence, the clinical significance of this variant remains unclear.

Color Diagnostics, LLC DBA Color Health
Classification: Uncertain significance for Hereditary cancer-predisposing syndrome. Last evaluated: 2023-12-04. Review status: criteria provided, single submitter. Criteria: ACMG Guidelines, 2015. Collection method: clinical testing. Allele origin: germline.
Comment: This missense variant replaces threonine with isoleucine at codon 2944 of the ATM protein. Computational prediction suggests that this variant may not impact protein structure and function (internally defined REVEL score threshold <= 0.5, PMID: 27666373). To our knowledge, functional studies have not been reported for this variant. This variant has not been reported in individuals affected with ATM-related disorders in the literature. This variant has not been identified in the general population by the Genome Aggregation Database (gnomAD). The available evidence is insufficient to determine the role of this variant in disease conclusively. Therefore, this variant is classified as a Variant of Uncertain Significance.

Labcorp Genetics (formerly Invitae), Labcorp
Classification: Uncertain significance for Ataxia-telangiectasia syndrome. Last evaluated: 2021-08-27. Review status: criteria provided, single submitter. Criteria: Invitae Variant Classification Sherloc (09022015). Collection method: clinical testing. Allele origin: germline.
Comment: This sequence change replaces threonine with isoleucine at codon 2944 of the ATM protein (p.Thr2944Ile). The threonine residue is weakly conserved and there is a moderate physicochemical difference between threonine and isoleucine. This variant is not present in population databases (ExAC no frequency). This variant has not been reported in the literature in individuals affected with ATM-related conditions. ClinVar contains an entry for this variant (Variation ID: 524329). Algorithms developed to predict the effect of missense changes on protein structure and function are either unavailable or do not agree on the potential impact of this missense change (SIFT: "Deleterious"; PolyPhen-2: "Benign"; Align-GVGD: "Class C15"). In summary, the available evidence is currently insufficient to determine the role of this variant in disease. Therefore, it has been classified as a Variant of Uncertain Significance.

Natera, Inc.
Classification: Uncertain significance for Ataxia-telangiectasia. Last evaluated: 2020-11-06. Review status: no assertion criteria provided. Collection method: clinical testing. Allele origin: germline. Not counted in ClinVar's aggregate classification.